The following is an entry in ClinVar:

ClinVar aggregate classification (germline): Uncertain significance. Review status: criteria provided, multiple submitters, no conflicts (2 of 4 stars). 2 submissions from 2 submitters: Uncertain significance (2). Last evaluated 2025-02-27.

Conditions:
Inborn genetic diseases. Identifiers: MedGen C0950123, MeSH D030342.
Congenital myasthenic syndrome 8. Also called: Myasthenic syndrome, congenital, 8, with pre- and postsynaptic defects; MYASTHENIC SYNDROME, CONGENITAL, DUE TO AGRIN DEFICIENCY. Identifiers: Orphanet 590, MedGen C3808739, MONDO:0014052, OMIM 615120.

Submissions (2):

Ambry Genetics
Classification: Uncertain significance for Inborn genetic diseases. Last evaluated: 2025-02-27. Review status: criteria provided, single submitter. Criteria: Ambry Variant Classification Scheme 2023. Collection method: clinical testing. Allele origin: germline.

Labcorp Genetics (formerly Invitae), Labcorp
Classification: Uncertain significance for Congenital myasthenic syndrome 8. Last evaluated: 2024-05-26. Review status: criteria provided, single submitter. Criteria: Invitae Variant Classification Sherloc (09022015). Collection method: clinical testing. Allele origin: germline.
Comment: This sequence change replaces arginine, which is basic and polar, with cysteine, which is neutral and slightly polar, at codon 1317 of the AGRN protein (p.Arg1317Cys). This variant is present in population databases (rs750494247, gnomAD 0.01%). This variant has not been reported in the literature in individuals affected with AGRN-related conditions. An algorithm developed to predict the effect of missense changes on protein structure and function (PolyPhen-2) suggests that this variant is likely to be disruptive. In summary, the available evidence is currently insufficient to determine the role of this variant in disease. Therefore, it has been classified as a Variant of Uncertain Significance.

NM_198576.4(AGRN):c.3949C>T (p.Arg1317Cys)

Gene: AGRN (agrin; plus strand). Cytogenetic location: 1p36.33.
Variant type: single nucleotide variant.
Coding change: c.3949C>T on transcript NM_198576.4 (MANE Select); coding-DNA position 3949, C replaced by T.
Protein change: p.Arg1317Cys; replaces arginine 1317 with cysteine.
Molecular consequence: missense variant.
Genome position (GRCh38, 1-based): chr1:1,048,209, C>T. VCF-style: chr1-1048209-C-T. GRCh37 (hg19) VCF-style: chr1-983589-C-T.
Other names: c.3949C>T, p.Arg1317Cys (NM_001305275.2); c.3634C>T, p.Arg1212Cys (NM_001364727.2); c.3949C>T (NM_198576.3); short protein forms R1212C, R1317C.
Identifiers: ClinVar variation 3698350 (VCV003698350.3).